The following is an entry in ClinVar:

ClinVar aggregate classification (germline): Uncertain significance (1 of 4 stars; one submission).

Submission:

GeneDx
Classification: Uncertain significance. Last evaluated: 2026-01-25. Review status: criteria provided, single submitter. Criteria: GeneDx Variant Classification Process June 2021. Collection method: clinical testing. Allele origin: germline.
Comment: In silico analysis supports a deleterious effect on splicing; Has not been previously published as pathogenic or benign to our knowledge; No data available from control populations to assess the frequency of this variant; Located in a regulatory region; in the absence of functional studies, the actual effect of this sequence change is unknown

NM_001349338.3(FOXP1):c.-298+2T>A

Gene: FOXP1 (forkhead box P1; minus strand). Cytogenetic location: 3p13.
Variant type: single nucleotide variant.
Coding change: c.-298+2T>A on transcript NM_001349338.3 (MANE Select); the canonical splice donor site of the intron after 298 bases upstream of the start codon, T replaced by A.
Molecular consequence: splice donor variant.
Genome position (GRCh38, 1-based): chr3:71,581,547, A>T on the plus strand (T>A on the coding strand, the complement: FOXP1 is on the minus strand). VCF-style: chr3-71581547-A-T. GRCh37 (hg19) VCF-style: chr3-71630698-A-T.
Other names: c.-298+2T>A (NM_001244810.2, NM_032682.6, NM_001349341.3 and 2 more transcripts); c.-203+2T>A (NM_001349340.3).
Identifiers: ClinVar variation 4975581 (VCV004975581.1).